The following is an entry in ClinVar:

ClinVar aggregate classification (germline): Uncertain significance. Review status: criteria provided, multiple submitters, no conflicts (2 of 4 stars). 6 submissions from 6 submitters: Uncertain significance (6). Last evaluated 2024-11-27.

Conditions:
Ataxia-telangiectasia-like disorder (ATLD). Identifiers: MedGen C1858391, MONDO:0011457.
Hereditary cancer-predisposing syndrome. Also called: Hereditary Cancer Syndrome; Hereditary neoplastic syndrome; Neoplastic Syndromes, Hereditary; Tumor predisposition. Identifiers: Orphanet 140162, MedGen C0027672, MeSH D009386, MONDO:0015356.
Ataxia-telangiectasia-like disorder 1 (ATLD1). Identifiers: Orphanet 251347, MedGen C4012790, MONDO:0024557, OMIM 604391.

Allele frequency attached by ClinVar (database versions not stated): gnomAD exomes 0.00002; ExAC 0.00003; gnomAD 0.00003; TOPMed 0.00006; ESP Exome Variant Server 0.00015.

Submissions (6):

Labcorp Genetics (formerly Invitae), Labcorp
Classification: Uncertain significance for Ataxia-telangiectasia-like disorder. Last evaluated: 2024-11-27. Review status: criteria provided, single submitter. Criteria: Invitae Variant Classification Sherloc (09022015). Collection method: clinical testing. Allele origin: germline.
Comment: This sequence change replaces valine, which is neutral and non-polar, with alanine, which is neutral and non-polar, at codon 159 of the MRE11 protein (p.Val159Ala). This variant is present in population databases (rs140130291, gnomAD 0.005%). This variant has not been reported in the literature in individuals affected with MRE11-related conditions. ClinVar contains an entry for this variant (Variation ID: 216612). An algorithm developed to predict the effect of missense changes on protein structure and function (PolyPhen-2) suggests that this variant¬†is likely to be tolerated. In summary, the available evidence is currently insufficient to determine the role of this variant in disease. Therefore, it has been classified as a Variant of Uncertain Significance.

Quest Diagnostics Nichols Institute San Juan Capistrano
Classification: Uncertain significance. Last evaluated: 2024-03-01. Review status: criteria provided, single submitter. Criteria: Quest Diagnostics criteria. Collection method: clinical testing. Allele origin: unknown.

Ambry Genetics
Classification: Uncertain significance for Hereditary cancer-predisposing syndrome. Last evaluated: 2023-01-12. Review status: criteria provided, single submitter. Criteria: Ambry Variant Classification Scheme 2023. Collection method: clinical testing. Allele origin: germline.
Comment: The p.V159A variant (also known as c.476T>C), located in coding exon 5 of the MRE11A gene, results from a T to C substitution at nucleotide position 476. The valine at codon 159 is replaced by alanine, an amino acid with similar properties. This amino acid position is highly conserved in available vertebrate species. In addition, the in silico prediction for this alteration is inconclusive. Since supporting evidence is limited at this time, the clinical significance of this alteration remains unclear.

Women's Health and Genetics/Laboratory Corporation of America, LabCorp
Classification: Uncertain significance. Last evaluated: 2019-12-31. Review status: criteria provided, single submitter. Criteria: LabCorp Variant Classification Summary - May 2015. Collection method: clinical testing. Allele origin: germline.
Comment: Variant summary: MRE11 c.476T>C (p.Val159Ala) results in a non-conservative amino acid change located in the Calcineurin-like phosphoesterase domain, ApaH type of the encoded protein sequence. Three of five in-silico tools predict a benign effect of the variant on protein function. The variant allele was found at a frequency of 2e-05 in 251016 control chromosomes. The available data on variant occurrences in the general population are insufficient to allow any conclusion about variant significance. To our knowledge, no occurrence of c.476T>C in individuals affected with Hereditary Breast and Ovarian Cancer and no experimental evidence demonstrating its impact on protein function have been reported. Two clinical diagnostic laboratories have submitted clinical-significance assessments for this variant to ClinVar after 2014 without evidence for independent evaluation. All laboratories classified the variant as uncertain significance. Based on the evidence outlined above, the variant was classified as uncertain significance.

Athena Diagnostics
Classification: Uncertain significance. Last evaluated: 2019-08-06. Review status: criteria provided, single submitter. Criteria: Athena Diagnostics Criteria. Collection method: clinical testing. Allele origin: germline.

Revvity Omics, Revvity
Classification: Uncertain significance for Ataxia-telangiectasia-like disorder 1. Last evaluated: 2019-06-17. Review status: criteria provided, single submitter. Criteria: ACMG Guidelines, 2015. Collection method: clinical testing. Allele origin: germline.

NM_005591.4(MRE11):c.476T>C (p.Val159Ala)

Gene: MRE11 (MRE11 double strand break repair nuclease; minus strand). Cytogenetic location: 11q21.
Variant type: single nucleotide variant.
Coding change: c.476T>C on transcript NM_005591.4 (MANE Select); coding-DNA position 476, T replaced by C.
Protein change: p.Val159Ala; replaces valine 159 with alanine.
Molecular consequence: missense variant.
Genome position (GRCh38, 1-based): chr11:94,478,803, A>G on the plus strand (T>C on the coding strand, the complement: MRE11 is on the minus strand). VCF-style: chr11-94478803-A-G. GRCh37 (hg19) VCF-style: chr11-94211969-A-G.
Other names: c.476T>C, p.Val159Ala (NM_001330347.2, NM_005590.4); short protein forms V159A.
Identifiers: ClinVar variation 216612 (VCV000216612.19), dbSNP rs140130291, ClinGen allele CA339288.